The following is an entry in ClinVar:

NM_006506.5(RASA2):c.519TGT[1] (p.Val175del)

Gene: RASA2 (RAS p21 protein activator 2; plus strand). Cytogenetic location: 3q23.
Variant type: Microsatellite.
Coding change: c.519TGT[1] on transcript NM_006506.5 (MANE Select); one copy of the 3-base unit TGT starting at c.519; the reference has two copies in a row; one copy, 3 bases deleted.
Protein change: p.Val175del; deletes valine 175.
Molecular consequence: inframe deletion.
Genome position (GRCh38, 1-based): chr3:141,540,604-141,540,606, TGT deleted; deleting any 3 consecutive bases within chr3:141,540,600-141,540,606 gives the same sequence; the position shown is the placement nearest the transcript's 3' end. VCF-style (leftmost placement, unchanged base first): chr3-141540599-CTTG-C. GRCh37 (hg19) VCF-style: chr3-141259441-CTTG-C.
Other names: c.519TGT[1], p.Val175del (NM_001303245.3, NM_001303246.3); short protein forms V175del.
Identifiers: ClinVar variation 2719252 (VCV002719252.3), dbSNP rs1451880744, ClinGen allele CA546545884.

ClinVar aggregate classification (germline): Uncertain significance (1 of 4 stars; one submission).

Submission:

Labcorp Genetics (formerly Invitae), Labcorp
Classification: Uncertain significance. Last evaluated: 2023-12-01. Review status: criteria provided, single submitter. Criteria: Invitae Variant Classification Sherloc (09022015). Collection method: clinical testing. Allele origin: germline.
Comment: This variant, c.522_524del, results in the deletion of 1 amino acid(s) of the RASA2 protein (p.Val175del), but otherwise preserves the integrity of the reading frame. This variant is present in population databases (no rsID available, gnomAD 0.0009%). This variant has not been reported in the literature in individuals affected with RASA2-related conditions. Experimental studies and prediction algorithms are not available or were not evaluated, and the functional significance of this variant is currently unknown. In summary, the available evidence is currently insufficient to determine the role of this variant in disease. Therefore, it has been classified as a Variant of Uncertain Significance.